The following is an entry in ClinVar:

ClinVar aggregate classification (germline): Uncertain significance (1 of 4 stars; one submission).

Conditions:
Dyskeratosis congenita. Identifiers: Orphanet 1775, MedGen C0265965, MONDO:0015780.

Submission:

Ambry Genetics
Classification: Uncertain significance for Dyskeratosis congenita. Last evaluated: 2025-09-14. Review status: criteria provided, single submitter. Criteria: Ambry Variant Classification Scheme 2023. Collection method: clinical testing. Allele origin: germline.
Comment: The p.R108G variant (also known as c.322C>G), located in coding exon 2 of the TERT gene, results from a C to G substitution at nucleotide position 322. The arginine at codon 108 is replaced by glycine, an amino acid with dissimilar properties. This amino acid position is conserved. In addition, the in silico prediction for this alteration is inconclusive. Based on the available evidence, the clinical significance of this variant remains unclear.

NM_198253.3(TERT):c.322C>G (p.Arg108Gly)

Gene: TERT (telomerase reverse transcriptase; minus strand). Cytogenetic location: 5p15.33.
Variant type: single nucleotide variant.
Coding change: c.322C>G on transcript NM_198253.3 (MANE Select); coding-DNA position 322, C replaced by G.
Protein change: p.Arg108Gly; replaces arginine 108 with glycine.
Molecular consequence: missense variant. On other transcripts: non-coding transcript variant (2).
Genome position (GRCh38, 1-based): chr5:1,294,564, G>C on the plus strand (C>G on the coding strand, the complement: TERT is on the minus strand). VCF-style: chr5-1294564-G-C. GRCh37 (hg19) VCF-style: chr5-1294679-G-C.
Other names: c.322C>G, p.Arg108Gly (NM_001193376.3); short protein forms R108G.
Identifiers: ClinVar variation 4182822 (VCV004182822.1).